The following is an entry in ClinVar:

ClinVar aggregate classification (germline): Benign/Likely benign. Review status: criteria provided, multiple submitters, no conflicts (2 of 4 stars). 3 submissions from 3 submitters: Benign (1); Likely benign (1). 1 of the submissions does not count toward it. Last evaluated 2025-03-19.

Conditions:
ASH1L-related disorder. Also called: ASH1L-related condition.
Inborn genetic diseases. Identifiers: MedGen C0950123, MeSH D030342.

Allele frequency attached by ClinVar (database versions not stated): ESP Exome Variant Server 0.00200; gnomAD 0.00217 and 0.00201; 1000 Genomes Project 0.00220; TOPMed 0.00235; 1000 Genomes Project 30x 0.00297; gnomAD exomes 0.00053 and 0.00020; ExAC 0.00068.
gnomAD v4.1: 608 of 1,612,234 alleles (0.038%); highest among the groups gnomAD compares: African/African-American, 0.75%; 3 homozygotes.

Submissions (3):

Ambry Genetics
Classification: Likely benign for Inborn genetic diseases. Last evaluated: 2025-03-19. Review status: criteria provided, single submitter. Criteria: Ambry Variant Classification Scheme 2023. Collection method: clinical testing. Allele origin: germline.

Labcorp Genetics (formerly Invitae), Labcorp
Classification: Benign. Last evaluated: 2018-05-21. Review status: criteria provided, single submitter. Criteria: Invitae Variant Classification Sherloc (09022015). Collection method: clinical testing. Allele origin: germline.

PreventionGenetics, part of Exact Sciences
Classification: Benign for ASH1L-related condition. Last evaluated: 2020-09-02. Review status: no assertion criteria provided. Collection method: clinical testing. Allele origin: germline. Not counted in ClinVar's aggregate classification.
Comment: This variant is classified as benign based on ACMG/AMP sequence variant interpretation guidelines (Richards et al. 2015 PMID: 25741868, with internal and published modifications).

NM_018489.3(ASH1L):c.5881C>T (p.Pro1961Ser)

Gene: ASH1L (ASH1 like histone lysine methyltransferase; minus strand). Cytogenetic location: 1q22.
Variant type: single nucleotide variant.
Coding change: c.5881C>T on transcript NM_018489.3 (MANE Select); coding-DNA position 5881, C replaced by T.
Protein change: p.Pro1961Ser; replaces proline 1961 with serine.
Molecular consequence: missense variant.
Genome position (GRCh38, 1-based): chr1:155,415,871, G>A on the plus strand (C>T on the coding strand, the complement: ASH1L is on the minus strand). VCF-style: chr1-155415871-G-A. GRCh37 (hg19) VCF-style: chr1-155385662-G-A.
Other names: c.5881C>T, p.Pro1961Ser (NM_001366177.2); short protein forms P1961S.
Identifiers: ClinVar variation 736267 (VCV000736267.6), dbSNP rs116069205, ClinGen allele CA1146469.